The following is an entry in ClinVar:

NM_000329.3(RPE65):c.1244-5C>T

Gene: RPE65 (retinoid isomerohydrolase RPE65; minus strand). Cytogenetic location: 1p31.3.
Variant type: single nucleotide variant.
Coding change: c.1244-5C>T on transcript NM_000329.3 (MANE Select); 5 bases into the intron before coding-DNA position 1244, C replaced by T.
Molecular consequence: intron variant.
Genome position (GRCh38, 1-based): chr1:68,431,381, G>A on the plus strand (C>T on the coding strand, the complement: RPE65 is on the minus strand). VCF-style: chr1-68431381-G-A. GRCh37 (hg19) VCF-style: chr1-68897064-G-A.
Identifiers: ClinVar variation 772770 (VCV000772770.13), dbSNP rs202185816, ClinGen allele CA902225.
Genomic context (GRCh38, chr1:68,431,381, plus strand): 5'-ATATGTGTAAGGTTTCCCACAATACTTCTGGTAATTGATTTGAGGAAACTCAAATGCTAC[G>A]AAATAGAGCACATGCTTAGGAAAACTCTTAATCTCTTTGAAAGAAACATTTGTTCACTCC-3'

ClinVar aggregate classification (germline): Likely benign. Review status: reviewed by expert panel (3 of 4 stars). 4 submissions from 4 submitters: Likely benign (1). 3 of the submissions do not count toward it. Last evaluated 2024-02-20.

Conditions:
Leber congenital amaurosis (LCA). Also called: Leber's amaurosis. Identifiers: Orphanet 65, MedGen C0339527, MeSH D057130, MONDO:0018998.
RPE65-related recessive retinopathy. Also called: Recessive RPE65 retinopathy. Identifiers: MedGen CN305526, MONDO:0100368.
Retinitis pigmentosa 20 (RP20). Identifiers: Orphanet 791, MedGen C3151086, MONDO:0013425, OMIM 613794.
Leber congenital amaurosis 2 (LCA2). Also called: AMAUROSIS CONGENITA OF LEBER II; Autosomal Recessive RPE65-Related Retinal Degeneration. Identifiers: Orphanet 65, MedGen C1859844, MONDO:0008765, OMIM 204100. Disease mechanism: loss of function.

Allele frequency attached by ClinVar (database versions not stated): gnomAD exomes 0.00010 and 0.00025; ExAC 0.00026; gnomAD 0.00072 and 0.00074; ESP Exome Variant Server 0.00077; TOPMed 0.00084; 1000 Genomes Project 0.00100; 1000 Genomes Project 30x 0.00109.
gnomAD v4.1: 250 of 1,613,572 alleles (0.015%); highest among the groups gnomAD compares: African/African-American, 0.29%; 2 homozygotes.

Submissions (4):

ClinGen Leber Congenital Amaurosis/early Onset Retinal Dystrophy Variant Curation Expert Panel, ClinGen
Classification: Likely benign for RPE65-related recessive retinopathy. Last evaluated: 2024-02-20. Review status: reviewed by expert panel. Criteria: ClinGen LCAeoRD ACMG Specifications RPE65 V1.0.0. Collection method: curation. Allele origin: germline. Inheritance: Autosomal recessive inheritance.
Comment: NM_000329.3(RPE65):c.1244-5C>T is a non-coding variant in intron 11 near the junction with exon 12. This variant is present in gnomAD v.2.1.1 at a GrpMax allele frequency of 0.002561, with 70 alleles / 24966 total alleles in the African/African-American population, which is higher than the ClinGen LCA / eoRD VCEP BS1 threshold of >0.0008 (BS1). The splicing impact predictor SpliceAI gives scores of 0.26 for acceptor gain and 0.20 for donor gain, which are above the ClinGen LCA / eoRD VCEP recommended threshold of >=0.2 and predict a damaging impact on splicing (PP3). In summary, this variant meets the criteria to be classified as likely benign for RPE65-related recessive retinopathy based on the ACMG/AMP criteria applied, as specified by the ClinGen LCA / eoRD VCEP: BS1 and PP3 (VCEP specifications version 1.0.0; date of approval 09/21/2023).

Labcorp Genetics (formerly Invitae), Labcorp
Classification: Benign for Leber congenital amaurosis 2; Retinitis pigmentosa 20. Last evaluated: 2026-01-19. Review status: criteria provided, single submitter. Criteria: Invitae Variant Classification Sherloc (09022015). Collection method: clinical testing. Allele origin: germline. Not counted in ClinVar's aggregate classification.

Blueprint Genetics
Classification: Likely benign. Last evaluated: 2024-11-25. Review status: criteria provided, single submitter. Criteria: ACMG Guidelines, 2015. Collection method: clinical testing. Allele origin: germline. Not counted in ClinVar's aggregate classification.

Natera, Inc.
Classification: Uncertain significance for Leber congenital amaurosis. Last evaluated: 2020-04-30. Review status: no assertion criteria provided. Collection method: clinical testing. Allele origin: germline. Not counted in ClinVar's aggregate classification.